The following is an entry in ClinVar:

ClinVar aggregate classification (germline): Uncertain significance. Review status: criteria provided, multiple submitters, no conflicts (2 of 4 stars). 2 submissions from 2 submitters: Uncertain significance (2). Last evaluated 2025-02-22.

Conditions:
Inborn genetic diseases. Identifiers: MedGen C0950123, MeSH D030342.

Allele frequency attached by ClinVar (database versions not stated): gnomAD 0.00001; TOPMed 0.00001; ExAC 0.00002.
gnomAD v4.1: 17 of 1,613,884 alleles (0.0011%); highest among the groups gnomAD compares: Non-Finnish European, 0.0013%; no homozygotes.

Submissions (2):

Ambry Genetics
Classification: Uncertain significance for Inborn genetic diseases. Last evaluated: 2025-02-22. Review status: criteria provided, single submitter. Criteria: Ambry Variant Classification Scheme 2023. Collection method: clinical testing. Allele origin: germline.

Labcorp Genetics (formerly Invitae), Labcorp
Classification: Uncertain significance. Last evaluated: 2024-03-04. Review status: criteria provided, single submitter. Criteria: Invitae Variant Classification Sherloc (09022015). Collection method: clinical testing. Allele origin: germline.
Comment: This sequence change replaces glutamic acid, which is acidic and polar, with aspartic acid, which is acidic and polar, at codon 2274 of the LAMA1 protein (p.Glu2274Asp). This variant is present in population databases (rs746100710, gnomAD 0.004%). This variant has not been reported in the literature in individuals affected with LAMA1-related conditions. ClinVar contains an entry for this variant (Variation ID: 1505466). Advanced modeling of protein sequence and biophysical properties (such as structural, functional, and spatial information, amino acid conservation, physicochemical variation, residue mobility, and thermodynamic stability) performed at Invitae indicates that this missense variant is not expected to disrupt LAMA1 protein function with a negative predictive value of 80%. In summary, the available evidence is currently insufficient to determine the role of this variant in disease. Therefore, it has been classified as a Variant of Uncertain Significance.

NM_005559.4(LAMA1):c.6822G>C (p.Glu2274Asp)

Gene: LAMA1 (laminin subunit alpha 1; minus strand). Cytogenetic location: 18p11.31.
Variant type: single nucleotide variant.
Coding change: c.6822G>C on transcript NM_005559.4 (MANE Select); coding-DNA position 6822, G replaced by C.
Protein change: p.Glu2274Asp; replaces glutamic acid 2274 with aspartic acid.
Molecular consequence: missense variant.
Genome position (GRCh38, 1-based): chr18:6,971,934, C>G on the plus strand (G>C on the coding strand, the complement: LAMA1 is on the minus strand). VCF-style: chr18-6971934-C-G. GRCh37 (hg19) VCF-style: chr18-6971933-C-G.
Other names: c.6822G>C (NM_005559.3); short protein forms E2274D.
Identifiers: ClinVar variation 1505466 (VCV001505466.9), dbSNP rs746100710, ClinGen allele CA8881114.